The following is an entry in ClinVar:

ClinVar aggregate classification (germline): Uncertain significance. Review status: criteria provided, multiple submitters, no conflicts (2 of 4 stars). 2 submissions from 2 submitters: Uncertain significance (2). Last evaluated 2021-04-17.

Conditions:
Autosomal recessive ataxia, Beauce type. Also called: SYNE1-Related Autosomal Recessive Cerebellar Ataxia; Spinocerebellar ataxia, autosomal recessive 8; ATAXIA, RECESSIVE, OF BEAUCE; SYNE1 Deficiency. Identifiers: Orphanet 88644, MedGen C1853116, MONDO:0012549, OMIM 610743.
Emery-Dreifuss muscular dystrophy 4, autosomal dominant (EDMD4). Also called: EMERY-DREIFUSS MUSCULAR DYSTROPHY 4 WITH VARIABLE FEATURES. Identifiers: Orphanet 261, MedGen C2751807, MONDO:0013071, OMIM 612998.

gnomAD v4.1: 18 of 1,614,052 alleles (0.0011%); highest among the groups gnomAD compares: South Asian, 0.014%; no homozygotes.

Submissions (2):

Labcorp Genetics (formerly Invitae), Labcorp
Classification: Uncertain significance for Emery-Dreifuss muscular dystrophy 4, autosomal dominant; Autosomal recessive ataxia, Beauce type. Last evaluated: 2021-04-17. Review status: criteria provided, single submitter. Criteria: Invitae Variant Classification Sherloc (09022015). Collection method: clinical testing. Allele origin: germline.
Comment: In summary, the available evidence is currently insufficient to determine the role of this variant in disease. Therefore, it has been classified as a Variant of Uncertain Significance. Algorithms developed to predict the effect of missense changes on protein structure and function output the following: SIFT: "Tolerated"; PolyPhen-2: "Benign"; Align-GVGD: "Class C0". The histidine amino acid residue is found in multiple mammalian species, suggesting that this missense change does not adversely affect protein function. These predictions have not been confirmed by published functional studies and their clinical significance is uncertain. This variant has not been reported in the literature in individuals with SYNE1-related conditions. This variant is present in population databases (rs768489386, ExAC 0.006%). This sequence change replaces arginine with histidine at codon 7492 of the SYNE1 protein (p.Arg7492His). The arginine residue is highly conserved and there is a small physicochemical difference between arginine and histidine.

Revvity Omics, Revvity
Classification: Uncertain significance. Last evaluated: 2019-06-05. Review status: criteria provided, single submitter. Criteria: ACMG Guidelines, 2015. Collection method: clinical testing. Allele origin: germline.

NM_182961.4(SYNE1):c.22688G>A (p.Arg7563His)

Gene: SYNE1 (spectrin repeat containing nuclear envelope protein 1; minus strand). Cytogenetic location: 6q25.2.
Variant type: single nucleotide variant.
Coding change: c.22688G>A on transcript NM_182961.4 (MANE Select); coding-DNA position 22688, G replaced by A.
Protein change: p.Arg7563His; replaces arginine 7563 with histidine.
Molecular consequence: missense variant.
Genome position (GRCh38, 1-based): chr6:152,208,108, C>T on the plus strand (G>A on the coding strand, the complement: SYNE1 is on the minus strand). VCF-style: chr6-152208108-C-T. GRCh37 (hg19) VCF-style: chr6-152529243-C-T.
Other names: c.22475G>A (NM_033071.3); c.22475G>A, p.Arg7492His (NM_033071.5); short protein forms R7492H, R7563H.
Identifiers: ClinVar variation 1468084 (VCV001468084.10), dbSNP rs768489386, ClinGen allele CA4053814.